The following is an entry in ClinVar:

ClinVar aggregate classification (germline): Uncertain significance (1 of 4 stars; one submission).

Conditions:
Long QT syndrome (LQTS). Identifiers: MedGen C0023976, MeSH D008133, MONDO:0002442. Disease mechanism: loss of function. Inheritance: Various modes of inheritance.

Submission:

Labcorp Genetics (formerly Invitae), Labcorp
Classification: Uncertain significance for Long QT syndrome. Last evaluated: 2024-06-09. Review status: criteria provided, single submitter. Criteria: Invitae Variant Classification Sherloc (09022015). Collection method: clinical testing. Allele origin: germline.
Comment: This sequence change replaces leucine, which is neutral and non-polar, with serine, which is neutral and polar, at codon 1368 of the AKAP9 protein (p.Leu1368Ser). This variant is not present in population databases (gnomAD no frequency). This variant has not been reported in the literature in individuals affected with AKAP9-related conditions. ClinVar contains an entry for this variant (Variation ID: 2102200). An algorithm developed to predict the effect of missense changes on protein structure and function (PolyPhen-2) suggests that this variant is likely to be disruptive. In summary, the available evidence is currently insufficient to determine the role of this variant in disease. Therefore, it has been classified as a Variant of Uncertain Significance.

NM_005751.5(AKAP9):c.4103T>C (p.Leu1368Ser)

Gene: AKAP9 (A-kinase anchoring protein 9; plus strand). Cytogenetic location: 7q21.2.
Variant type: single nucleotide variant.
Coding change: c.4103T>C on transcript NM_005751.5 (MANE Select); coding-DNA position 4103, T replaced by C.
Protein change: p.Leu1368Ser; replaces leucine 1368 with serine.
Molecular consequence: missense variant.
Genome position (GRCh38, 1-based): chr7:92,022,964, T>C. VCF-style: chr7-92022964-T-C. GRCh37 (hg19) VCF-style: chr7-91652278-T-C.
Other names: c.4103T>C, p.Leu1368Ser (NM_147185.3); short protein forms L1368S.
Identifiers: ClinVar variation 2102200 (VCV002102200.4), dbSNP rs2484750729, ClinGen allele CA368127981.